The following is an entry in ClinVar:

NM_000360.4(TH):c.347G>C (p.Arg116Pro)

Gene: TH (tyrosine hydroxylase; minus strand). Cytogenetic location: 11p15.5.
Variant type: single nucleotide variant.
Coding change: c.347G>C on transcript NM_000360.4 (MANE Select); coding-DNA position 347, G replaced by C.
Protein change: p.Arg116Pro; replaces arginine 116 with proline.
Molecular consequence: missense variant.
Genome position (GRCh38, 1-based): chr11:2,168,631, C>G on the plus strand (G>C on the coding strand, the complement: TH is on the minus strand). VCF-style: chr11-2168631-C-G. GRCh37 (hg19) VCF-style: chr11-2189861-C-G.
Other names: c.440G>C, p.Arg147Pro (NM_199292.3); c.428G>C, p.Arg143Pro (NM_199293.3); short protein forms R116P, R143P, R147P.
Identifiers: ClinVar variation 2413457 (VCV002413457.3), dbSNP rs202204171, ClinGen allele CA5818701.

ClinVar aggregate classification (germline): Uncertain significance (1 of 4 stars; one submission).

Conditions:
TH-deficient dopa-responsive dystonia. Also called: Tyrosine Hydroxylase-Deficient Dopa-Responsive Dystonia; Segawa syndrome, autosomal recessive; DYT-TH. Identifiers: Orphanet 101150, MedGen C2673535, MONDO:0011551, OMIM 605407.

gnomAD v4.1: 2 of 1,608,474 alleles (0.00012%); highest among the groups gnomAD compares: South Asian, 0.0011%; no homozygotes.

Submission:

Labcorp Genetics (formerly Invitae), Labcorp
Classification: Uncertain significance for TH-deficient dopa-responsive dystonia. Last evaluated: 2022-06-27. Review status: criteria provided, single submitter. Criteria: Invitae Variant Classification Sherloc (09022015). Collection method: clinical testing. Allele origin: germline.
Comment: This sequence change replaces arginine, which is basic and polar, with proline, which is neutral and non-polar, at codon 147 of the TH protein (p.Arg147Pro). This variant is present in population databases (rs202204171, gnomAD 0.003%). This variant has not been reported in the literature in individuals affected with TH-related conditions. Advanced modeling of protein sequence and biophysical properties (such as structural, functional, and spatial information, amino acid conservation, physicochemical variation, residue mobility, and thermodynamic stability) performed at Invitae indicates that this missense variant is expected to disrupt TH protein function. In summary, the available evidence is currently insufficient to determine the role of this variant in disease. Therefore, it has been classified as a Variant of Uncertain Significance.